The following is an entry in ClinVar:

ClinVar aggregate classification (germline): Conflicting classifications of pathogenicity. Review status: criteria provided, conflicting classifications (1 of 4 stars). 2 submissions from 2 submitters: Likely pathogenic (1); Uncertain significance (1). Last evaluated 2024-12-15.

Conditions:
Mucopolysaccharidosis type 1. Also called: IDUA deficiency; MPS I; Mucopolysaccharidosis Type I. Identifiers: Orphanet 579, MedGen C0023786, MONDO:0001586.

Allele frequency attached by ClinVar (database versions not stated): gnomAD 0.00001; gnomAD exomes 0.00001; TOPMed 0.00001; 1000 Genomes Project 30x 0.00031.
gnomAD v4.1: 6 of 1,528,720 alleles (0.00039%); highest among the groups gnomAD compares: East Asian, 0.015%; no homozygotes.

Submissions (2):

Labcorp Genetics (formerly Invitae), Labcorp
Classification: Likely pathogenic for Mucopolysaccharidosis type 1. Last evaluated: 2024-12-15. Review status: criteria provided, single submitter. Criteria: Invitae Variant Classification Sherloc (09022015). Collection method: clinical testing. Allele origin: germline.
Comment: This sequence change replaces proline, which is neutral and non-polar, with serine, which is neutral and polar, at codon 533 of the IDUA protein (p.Pro533Ser). This variant is present in population databases (rs374779600, gnomAD 0.05%). This variant has not been reported in the literature in individuals affected with IDUA-related conditions. ClinVar contains an entry for this variant (Variation ID: 2201882). Invitae Evidence Modeling of protein sequence and biophysical properties (such as structural, functional, and spatial information, amino acid conservation, physicochemical variation, residue mobility, and thermodynamic stability) indicates that this missense variant is expected to disrupt IDUA protein function with a positive predictive value of 95%. This variant disrupts the p.Pro533 amino acid residue in IDUA. Other variant(s) that disrupt this residue have been determined to be pathogenic (PMID: 10738517, 16435195, 21521498, 23786846, 24102521). This suggests that this residue is clinically significant, and that variants that disrupt this residue are likely to be disease-causing. In summary, the currently available evidence indicates that the variant is pathogenic, but additional data are needed to prove that conclusively. Therefore, this variant has been classified as Likely Pathogenic.

Revvity Omics, Revvity
Classification: Uncertain significance. Last evaluated: 2022-12-20. Review status: criteria provided, single submitter. Criteria: ACMG Guidelines, 2015. Collection method: clinical testing. Allele origin: germline.

Literature cited by the submitters: PubMed 10738517 (cited by Labcorp Genetics (formerly Invitae), Labcorp); PubMed 16435195 (cited by Labcorp Genetics (formerly Invitae), Labcorp); PubMed 21521498 (cited by Labcorp Genetics (formerly Invitae), Labcorp); PubMed 23786846 (cited by Labcorp Genetics (formerly Invitae), Labcorp); PubMed 24102521 (cited by Labcorp Genetics (formerly Invitae), Labcorp).

NM_000203.5(IDUA):c.1597C>T (p.Pro533Ser)

Gene: IDUA (alpha-L-iduronidase; plus strand). Cytogenetic location: 4p16.3.
Variant type: single nucleotide variant.
Coding change: c.1597C>T on transcript NM_000203.5 (MANE Select); coding-DNA position 1597, C replaced by T.
Protein change: p.Pro533Ser; replaces proline 533 with serine.
Molecular consequence: missense variant. On other transcripts: non-coding transcript variant (1).
Genome position (GRCh38, 1-based): chr4:1,003,417, C>T. VCF-style: chr4-1003417-C-T. GRCh37 (hg19) VCF-style: chr4-997205-C-T.
Other names: c.1201C>T, p.Pro401Ser (NM_001363576.1); short protein forms P401S, P533S.
Identifiers: ClinVar variation 2201882 (VCV002201882.7), dbSNP rs374779600, ClinGen allele CA91170784.
Genomic context (GRCh38, chr4:1,003,417, plus strand): 5'-GCGGCGCCCCGCCCCTTACCCGCCGGCGGCCGCCTGACCCTGCGCCCCGCGCTGCGGCTG[C>T]CGTCGCTTTTGCTGGTGCACGTGTGTGCGCGCCCCGAGAAGCCGCCCGGGCAGGCAAGTG-3'
Protein context (NP_000194.2, residues 523-543): RLTLRPALRL[Pro533Ser]SLLLVHVCAR